The following is an entry in ClinVar:

NM_000517.6(HBA2):c.129C>A (p.Tyr43Ter)

Genes: HBA2 (hemoglobin subunit alpha 2; plus strand), LOC106804612 (hemoglobin subunit alpha 2 recombination region; plus strand). Cytogenetic location: 16p13.3.
Variant type: single nucleotide variant.
Coding change: c.129C>A on transcript NM_000517.6 (MANE Select); coding-DNA position 129, C replaced by A.
Protein change: p.Tyr43Ter; replaces tyrosine 43 with a stop codon.
Molecular consequence: nonsense.
Genome position (GRCh38, 1-based): chr16:173,158, C>A. VCF-style: chr16-173158-C-A. GRCh37 (hg19) VCF-style: chr16-223157-C-A.
Other names: short protein forms Y43*.
Identifiers: ClinVar variation 4818619 (VCV004818619.1).

ClinVar aggregate classification (germline): Likely pathogenic (1 of 4 stars; one submission).

Conditions:
alpha Thalassemia. Also called: Alpha thalassemia spectrum. Identifiers: Orphanet 846, MedGen C0002312, MONDO:0011399, OMIM 604131.

Submission:

Natera, Inc.
Classification: Likely pathogenic for Alpha thalassemia. Last evaluated: 2024-07-23. Review status: criteria provided, single submitter. Criteria: Natera Variant Classification Schema (03/2026). Collection method: clinical testing. Allele origin: germline.
Comment: The c.129C>A variant in HBA2 is a nonsense variant predicted to introduce a stop codon at amino acid 43. This variant is expected to result in nonsense mediated decay, truncation, or a dysfunctional protein product. This variant is rare in the general population with a frequency below the threshold expected for the associated phenotype(s). Given the available evidence, this variant is classified as Likely Pathogenic.